The following is an entry in ClinVar:

ClinVar aggregate classification (germline): Pathogenic (1 of 4 stars; one submission).

Submission:

Labcorp Genetics (formerly Invitae), Labcorp
Classification: Pathogenic. Last evaluated: 2019-07-16. Review status: criteria provided, single submitter. Criteria: Invitae Variant Classification Sherloc (09022015). Collection method: clinical testing. Allele origin: germline.
Comment: For these reasons, this variant has been classified as Pathogenic. Loss-of-function variants in TEK are known to be pathogenic (PMID: 27270174). This variant has not been reported in the literature in individuals with TEK-related conditions. This variant is an out-of-frame deletion of the genomic region encompassing exons 2-21 of the TEK gene. This is expected to create a premature translational stop signal and result in an absent or disrupted protein product.

Literature cited by the submitters: PubMed 27270174.

NC_000009.12:g.(?_27157831)_(27220145_?)del

Gene: TEK (TEK receptor tyrosine kinase; plus strand). Cytogenetic location: 9p21.2.
Variant type: Deletion.
Identifiers: ClinVar variation 832541 (VCV000832541.6).